The following is an entry in ClinVar:

NM_001323289.2(CDKL5):c.2680G>T (p.Ala894Ser)

Gene: CDKL5 (cyclin dependent kinase like 5; plus strand). Cytogenetic location: Xp22.13.
Variant type: single nucleotide variant.
Coding change: c.2680G>T on transcript NM_001323289.2 (MANE Select); coding-DNA position 2680, G replaced by T.
Protein change: p.Ala894Ser; replaces alanine 894 with serine.
Molecular consequence: missense variant.
Genome position (GRCh38, 1-based): chrX:18,628,554, G>T. VCF-style: chrX-18628554-G-T. GRCh37 (hg19) VCF-style: chrX-18646674-G-T.
Other names: c.2680G>T, p.Ala894Ser (NM_001037343.2, NM_003159.3); short protein forms A894S.
Identifiers: ClinVar variation 1713945 (VCV001713945.6), dbSNP rs763110247, ClinGen allele CA412367998.

ClinVar aggregate classification (germline): Uncertain significance (1 of 4 stars; one submission).

Conditions:
Angelman syndrome-like. Identifiers: MedGen CN128785.
Developmental and epileptic encephalopathy, 2 (DEE2). Also called: CDKL5 deficiency disorder; INFANTILE SPASM SYNDROME, X-LINKED 2. Identifiers: Orphanet 1934, Orphanet 3451, Orphanet 505652, MedGen C4750718, MONDO:0010396, OMIM 300672.

Submission:

Labcorp Genetics (formerly Invitae), Labcorp
Classification: Uncertain significance for Developmental and epileptic encephalopathy, 2; Angelman syndrome-like. Last evaluated: 2022-07-27. Review status: criteria provided, single submitter. Criteria: Invitae Variant Classification Sherloc (09022015). Collection method: clinical testing. Allele origin: germline.
Comment: In summary, the available evidence is currently insufficient to determine the role of this variant in disease. Therefore, it has been classified as a Variant of Uncertain Significance. Advanced modeling of protein sequence and biophysical properties (such as structural, functional, and spatial information, amino acid conservation, physicochemical variation, residue mobility, and thermodynamic stability) performed at Invitae indicates that this missense variant is not expected to disrupt CDKL5 protein function. This variant has not been reported in the literature in individuals affected with CDKL5-related conditions. This variant is not present in population databases (gnomAD no frequency). This sequence change replaces alanine, which is neutral and non-polar, with serine, which is neutral and polar, at codon 894 of the CDKL5 protein (p.Ala894Ser).